The following is an entry in ClinVar:

ClinVar aggregate classification (germline): Uncertain significance. Review status: criteria provided, multiple submitters, no conflicts (2 of 4 stars). 7 submissions from 7 submitters: Uncertain significance (7). Last evaluated 2025-12-06.

Conditions:
King Denborough syndrome (KDS). Identifiers: MedGen C1840365, MONDO:0020485, OMIM 619542.
Congenital myopathy with fiber type disproportion. Also called: Congenital fiber-type disproportion myopathy; Congenital fiber-type disproportion. Identifiers: Orphanet 2020, MedGen C0546264, MONDO:0009711. Inheritance: all.
Central core myopathy (CMYO1A). Also called: Central core disease; Myopathy, central fibrillar; CONGENITAL MYOPATHY 1A, AUTOSOMAL DOMINANT, WITH SUSCEPTIBILITY TO MALIGNANT HYPERTHERMIA. Identifiers: Orphanet 597, MedGen C5830701, MONDO:0007294, OMIM 117000.
Malignant hyperthermia, susceptibility to, 1 (MHS1). Also called: Anesthesia related hyperthermia; Malignant hyperpyrexia; Fulminating hyperpyrexia; Pharmacogenic myopathy; Malignant hyperthermia suceptibility 1; RYR1-Related Malignant Hyperthermia Susceptibility. Identifiers: Orphanet 423, MedGen C2930980, MONDO:0007783, OMIM 145600.
Congenital multicore myopathy with external ophthalmoplegia (CMYO1B). Also called: Minicore myopathy with external ophthalmoplegia; MULTICORE MYOPATHY; Congenital myopathy 1B, autosomal recessive; Minicore myopathy; MULTIMINICORE DISEASE WITH EXTERNAL OPHTHALMOPLEGIA. Identifiers: Orphanet 598, Orphanet 98905, MedGen C1850674, MONDO:0009712, OMIM 255320, HP:0003789.
RYR1-related disorder. Also called: RYR1-related condition; RYR1-related disorders. Identifiers: MedGen CN239331.
Inborn genetic diseases. Identifiers: MedGen C0950123, MeSH D030342.

Allele frequency attached by ClinVar (database versions not stated): gnomAD exomes 0.00002; gnomAD 0.00007; TOPMed 0.00008; ESP Exome Variant Server 0.00015.
gnomAD v4.1: 44 of 1,614,082 alleles (0.0027%); highest among the groups gnomAD compares: Admixed American, 0.022%; no homozygotes.

Submissions (7):

Labcorp Genetics (formerly Invitae), Labcorp
Classification: Uncertain significance for RYR1-related disorder. Last evaluated: 2025-12-06. Review status: criteria provided, single submitter. Criteria: Invitae Variant Classification Sherloc (09022015). Collection method: clinical testing. Allele origin: germline.
Comment: This sequence change replaces alanine, which is neutral and non-polar, with valine, which is neutral and non-polar, at codon 1104 of the RYR1 protein (p.Ala1104Val). This variant is present in population databases (rs149096607, gnomAD 0.007%). This variant has not been reported in the literature in individuals affected with RYR1-related conditions. ClinVar contains an entry for this variant (Variation ID: 478222). Invitae Evidence Modeling of protein sequence and biophysical properties (such as structural, functional, and spatial information, amino acid conservation, physicochemical variation, residue mobility, and thermodynamic stability) has been performed for this missense variant. However, the output from this modeling did not meet the statistical confidence thresholds required to predict the impact of this variant on RYR1 protein function. In summary, the available evidence is currently insufficient to determine the role of this variant in disease. Therefore, it has been classified as a Variant of Uncertain Significance.

Revvity Omics, Revvity
Classification: Uncertain significance. Last evaluated: 2024-12-11. Review status: criteria provided, single submitter. Criteria: ACMG Guidelines, 2015. Collection method: clinical testing. Allele origin: germline.

Color Diagnostics, LLC DBA Color Health
Classification: Uncertain significance for Malignant hyperthermia, susceptibility to, 1. Last evaluated: 2024-07-11. Review status: criteria provided, single submitter. Criteria: ACMG Guidelines, 2015. Collection method: clinical testing. Allele origin: germline.
Comment: This missense variant replaces alanine with valine at codon 1104 of the RYR1 protein. Computational prediction is inconclusive regarding the impact of this variant on protein structure and function. To our knowledge, functional studies have not been reported for this variant. This variant has not been reported in individuals affected with RYR1-related disorders in the literature. This variant has been identified in 6/251390 chromosomes in the general population by the Genome Aggregation Database (gnomAD). The available evidence is insufficient to determine the role of this variant in disease conclusively. Therefore, this variant is classified as a Variant of Uncertain Significance.

All of Us Research Program, National Institutes of Health
Classification: Uncertain significance for Malignant hyperthermia, susceptibility to, 1. Last evaluated: 2023-09-05. Review status: criteria provided, single submitter. Criteria: ACMG Guidelines, 2015. Collection method: clinical testing. Allele origin: germline. Inheritance: Autosomal dominant inheritance. Observed: 1 variant allele, 1 heterozygote.
Comment: This study involves interpretation of variants in research participants for the purpose of population health screening. Participant phenotype was not available at the time of variant classification. Additional details can be found in publication PMID: 35346344, PMCID: PMC8962531

MGZ Medical Genetics Center
Classification: Uncertain significance for Malignant hyperthermia, susceptibility to, 1. Last evaluated: 2021-12-29. Review status: criteria provided, single submitter. Criteria: ACMG Guidelines, 2015. Collection method: clinical testing. Allele origin: germline. Affected: yes. Observed: 1 variant allele.
Comment: ACMG criteria applied: PM2_SUP, PP3

Fulgent Genetics
Classification: Uncertain significance for Central core myopathy; Malignant hyperthermia, susceptibility to, 1; Congenital myopathy 4A, autosomal dominant; Congenital multicore myopathy with external ophthalmoplegia; King Denborough syndrome. Last evaluated: 2021-08-12. Review status: criteria provided, single submitter. Criteria: ACMG Guidelines, 2015. Collection method: clinical testing. Allele origin: unknown.

Ambry Genetics
Classification: Uncertain significance for Inborn genetic diseases. Last evaluated: 2016-04-15. Review status: criteria provided, single submitter. Criteria: Ambry exome assertion method (8-5-2015). Collection method: clinical testing. Allele origin: germline. Affected: yes. Observed: 1 variant allele.

NM_000540.3(RYR1):c.3311C>T (p.Ala1104Val)

Gene: RYR1 (ryanodine receptor 1; plus strand). Cytogenetic location: 19q13.2.
Variant type: single nucleotide variant.
Coding change: c.3311C>T on transcript NM_000540.3 (MANE Select); coding-DNA position 3311, C replaced by T.
Protein change: p.Ala1104Val; replaces alanine 1104 with valine.
Molecular consequence: missense variant.
Genome position (GRCh38, 1-based): chr19:38,467,742, C>T. VCF-style: chr19-38467742-C-T. GRCh37 (hg19) VCF-style: chr19-38958382-C-T.
Other names: c.3311C>T, p.Ala1104Val (NM_001042723.2); short protein forms A1104V.
Identifiers: ClinVar variation 478222 (VCV000478222.15), dbSNP rs149096607, ClinGen allele CA064669.